The following is an entry in ClinVar:

ClinVar aggregate classification (germline): Uncertain significance (1 of 4 stars; one submission).

Allele frequency attached by ClinVar (database versions not stated): ExAC 0.00001; gnomAD 0.00001; TOPMed 0.00001.

Submission:

Labcorp Genetics (formerly Invitae), Labcorp
Classification: Uncertain significance. Last evaluated: 2022-06-27. Review status: criteria provided, single submitter. Criteria: Invitae Variant Classification Sherloc (09022015). Collection method: clinical testing. Allele origin: germline.
Comment: In summary, the available evidence is currently insufficient to determine the role of this variant in disease. Therefore, it has been classified as a Variant of Uncertain Significance. Algorithms developed to predict the effect of missense changes on protein structure and function output the following: SIFT: "Tolerated"; PolyPhen-2: "Benign"; Align-GVGD: "Class C0". The threonine amino acid residue is found in multiple mammalian species, which suggests that this missense change does not adversely affect protein function. This variant has not been reported in the literature in individuals affected with GUF1-related conditions. The frequency data for this variant in the population databases is considered unreliable, as metrics indicate poor data quality at this position in the gnomAD database. This sequence change replaces alanine, which is neutral and non-polar, with threonine, which is neutral and polar, at codon 33 of the GUF1 protein (p.Ala33Thr).

NM_021927.3(GUF1):c.97G>A (p.Ala33Thr)

Genes: GUF1 (GTP binding elongation factor GUF1; plus strand), LOC129992541 (ATAC-STARR-seq lymphoblastoid silent region 15397; plus strand). Cytogenetic location: 4p12.
Variant type: single nucleotide variant.
Coding change: c.97G>A on transcript NM_021927.3 (MANE Select); coding-DNA position 97, G replaced by A.
Protein change: p.Ala33Thr; replaces alanine 33 with threonine.
Molecular consequence: missense variant. On other transcripts: 5 prime UTR variant (2).
Genome position (GRCh38, 1-based): chr4:44,678,719, G>A. VCF-style: chr4-44678719-G-A. GRCh37 (hg19) VCF-style: chr4-44680736-G-A.
Other names: c.-872G>A (NM_001345867.2); c.97G>A, p.Ala33Thr (NM_001345868.2); c.-764G>A (NM_001345869.2); short protein forms A33T.
Identifiers: ClinVar variation 1447155 (VCV001447155.8), dbSNP rs778454972, ClinGen allele CA2905183.